The following is an entry in ClinVar:

NM_013447.4(ADGRE2):c.2463+1G>A

Gene: ADGRE2 (adhesion G protein-coupled receptor E2; minus strand). Cytogenetic location: 19p13.12.
Variant type: single nucleotide variant.
Coding change: c.2463+1G>A on transcript NM_013447.4 (MANE Select); the canonical splice donor site of the intron after coding-DNA position 2463, G replaced by A.
Molecular consequence: splice donor variant.
Genome position (GRCh38, 1-based): chr19:14,743,419, C>T on the plus strand (G>A on the coding strand, the complement: ADGRE2 is on the minus strand). VCF-style: chr19-14743419-C-T. GRCh37 (hg19) VCF-style: chr19-14854231-C-T.
Other names: c.2184+1G>A (NM_152917.2); c.2316+1G>A (NM_152916.2); c.2289+1G>A (NM_001271052.1).
Identifiers: ClinVar variation 2079167 (VCV002079167.5), dbSNP rs141741521, ClinGen allele CA9257380.

ClinVar aggregate classification (germline): Uncertain significance (1 of 4 stars; one submission).

Allele frequency attached by ClinVar (database versions not stated): ExAC 0.00027; ESP Exome Variant Server 0.00031; TOPMed 0.00034; gnomAD exomes 0.00038; gnomAD 0.00039.
gnomAD v4.1: 603 of 1,613,328 alleles (0.037%); highest among the groups gnomAD compares: Non-Finnish European, 0.049%; no homozygotes.

Submissions (2):

Labcorp Genetics (formerly Invitae), Labcorp
Classification: Uncertain significance. Last evaluated: 2025-12-17. Review status: criteria provided, single submitter. Criteria: Invitae Variant Classification Sherloc (09022015). Collection method: clinical testing. Allele origin: germline.
Comment: This sequence change affects a donor splice site in intron 20 of the ADGRE2 gene. It is expected to disrupt RNA splicing. Variants that disrupt the donor or acceptor splice site typically lead to a loss of protein function (PMID: 16199547), however the current clinical and genetic evidence is not sufficient to establish whether loss-of-function variants in ADGRE2 cause disease. This variant is present in population databases (rs141741521, gnomAD 0.06%), and has an allele count higher than expected for a pathogenic variant. This variant has not been reported in the literature in individuals affected with ADGRE2-related conditions. ClinVar contains an entry for this variant (Variation ID: 2079167). Algorithms developed to predict the effect of sequence changes on RNA splicing suggest that this variant may disrupt the consensus splice site. In summary, the available evidence is currently insufficient to determine the role of this variant in disease. Therefore, it has been classified as a Variant of Uncertain Significance.

Dr. Peter K. Rogan Lab, Western University
No classification provided (evidence only). Condition: Thyroid cancer, nonmedullary, 1. Review status: no classification provided. Collection method: in vitro. Allele origin: not applicable. Functional consequence: retained intron. Not counted in ClinVar's aggregate classification.

Literature cited by the submitters: PubMed 16199547 (cited by Labcorp Genetics (formerly Invitae), Labcorp).